The following is an entry in ClinVar:

NM_001267550.2(TTN):c.100400T>G (p.Val33467Gly)

Genes: TTN (titin; minus strand), TTN-AS1 (TTN antisense RNA 1; plus strand). Cytogenetic location: 2q31.2.
Variant type: single nucleotide variant.
Coding change: c.100400T>G on transcript NM_001267550.2 (MANE Select); coding-DNA position 100400, T replaced by G.
Protein change: p.Val33467Gly; replaces valine 33467 with glycine.
Molecular consequence: missense variant.
Genome position (GRCh38, 1-based): chr2:178,536,347, A>C on the plus strand (T>G on the coding strand, the complement: TTN is on the minus strand). VCF-style: chr2-178536347-A-C. GRCh37 (hg19) VCF-style: chr2-179401074-A-C.
Other names: p.V31826G:GTG>GGG; p.Val31826Gly; c.73580T>G, p.Val24527Gly (NM_133432.3); c.73781T>G, p.Val24594Gly (NM_133437.4); c.95477T>G, p.Val31826Gly (NM_001256850.1); c.73205T>G, p.Val24402Gly (NM_003319.4); c.92696T>G, p.Val30899Gly (NM_133378.4); short protein forms V30899G, V33467G, V31826G, V24402G, V24594G, V24527G.
Identifiers: ClinVar variation 165664 (VCV000165664.71), dbSNP rs200166942, ClinGen allele CA178384.

ClinVar aggregate classification (germline): Conflicting classifications of pathogenicity. Review status: criteria provided, conflicting classifications (1 of 4 stars). 25 submissions from 21 submitters: Uncertain significance (14); Benign (2); Likely benign (6). 3 of the submissions do not count toward it. Last evaluated 2026-09-01.

Conditions:
TTN-related disorder. Also called: TTN-related disorders; TTN-related condition; TTN-related disease.
Cardiovascular phenotype. Identifiers: MedGen CN230736.
Autosomal recessive limb-girdle muscular dystrophy type 2J (LGMDR10). Also called: Limb-girdle muscular dystrophy, type 2J; MUSCULAR DYSTROPHY, LIMB-GIRDLE, AUTOSOMAL RECESSIVE 10. Identifiers: Orphanet 140922, MedGen C1837342, MONDO:0012127, OMIM 608807.
Dilated cardiomyopathy 1G (CMD1G). Identifiers: Orphanet 154, MedGen C1858763, MONDO:0011400, OMIM 604145.
Myopathy, myofibrillar, 9, with early respiratory failure (MFM9). Also called: EDSTROM MYOPATHY; MYOPATHY, PROXIMAL, WITH EARLY RESPIRATORY MUSCLE INVOLVEMENT; Hereditary myopathy with early respiratory failure; Myopathy, distal, with early respiratory failure, autosomal dominant. Identifiers: Orphanet 178464, Orphanet 34521, MedGen C1863599, MONDO:0011362, OMIM 603689.
Tibial muscular dystrophy (TMD). Also called: Udd Distal Myopathy – Tibial Muscular Dystrophy; Tibial muscular dystrophy, tardive; UDD MYOPATHY. Identifiers: Orphanet 609, MedGen C1838244, MONDO:0010870, OMIM 600334.
Hypertrophic cardiomyopathy 9. Also called: Familial hypertrophic cardiomyopathy 9. Identifiers: MedGen C1861065, MONDO:0013412, OMIM 613765.
Early-onset myopathy with fatal cardiomyopathy (CMYO5). Also called: Salih Myopathy; CONGENITAL MYOPATHY 5 WITH CARDIOMYOPATHY. Identifiers: Orphanet 289377, MedGen C2673677, MONDO:0012714, OMIM 611705. Disease mechanism: loss of function.
Primary ciliary dyskinesia. Also called: Ciliary dyskinesia. Identifiers: Orphanet 244, MedGen C0008780, MONDO:0016575, HP:0012265.
Cardiomyopathy (CMYO). Also called: Cardiomyopathies. Identifiers: Orphanet 167848, MedGen C0878544, MONDO:0004994, HP:0001638. Inheritance: Various modes of inheritance.

Allele frequency attached by ClinVar (database versions not stated): gnomAD exomes 0.00031 and 0.00055; ExAC 0.00033; ESP Exome Variant Server 0.00042; gnomAD 0.00044 and 0.00045; TOPMed 0.00059; 1000 Genomes Project 30x 0.00078; 1000 Genomes Project 0.00080.
gnomAD v4.1: 861 of 1,613,812 alleles (0.053%); highest among the groups gnomAD compares: Middle Eastern, 0.066%; no homozygotes.

Submissions 1 to 16 of 25:

CeGaT Center for Human Genetics Tuebingen
Classification: Likely benign. Last evaluated: 2026-09-01. Review status: criteria provided, single submitter. Criteria: CeGaT Center For Human Genetics Tuebingen Variant Classification Criteria Version 2. Collection method: clinical testing. Allele origin: germline. Affected: yes. Observed: 8 variant alleles.
Comment: TTN: BP1

Department of Human Genetics, Hannover Medical School
Classification: Uncertain significance for Primary Ciliary Dyskinesia. Last evaluated: 2026-04-01. Review status: criteria provided, single submitter. Criteria: ACMG Guidelines, 2015. Collection method: research. Allele origin: germline. Affected: no.
Comment: Classification performed by HerediClassify using the following criteria:['PM2_supporting: Variant occures does not occur as homozygous in gnomAD.', 'PP3_protein_moderate: Variant is predicted to be pathogenic by REVEL with evidence strength moderate.', "PP4_moderate: The modified PICADAR socre of 4.0 exceeds threshold of 3 achieving 'moderate' evidence strength."]

Women's Health and Genetics/Laboratory Corporation of America, LabCorp
Classification: Uncertain significance. Last evaluated: 2025-08-18. Review status: criteria provided, single submitter. Criteria: LabCorp Variant Classification Summary - May 2015. Collection method: clinical testing. Allele origin: germline.
Comment: Variant summary: TTN c.92696T>G (p.Val30899Gly) (also reported as NM_001267550 c.10400T>G (p.Val33467Gly)) results in a non-conservative amino acid change located in the I-band region of the encoded protein sequence. Four of four in-silico tools predict a damaging effect of the variant on protein function. The variant allele was found at a frequency of 0.00031 in 248550 control chromosomes. This frequency is not significantly higher than estimated for a pathogenic variant in TTN causing Cardiomyopathy (0.00031 vs 0.00063), allowing no conclusion about variant significance. c.92696T>G has been reported in the literature in individuals affected with Cardiomyopathy or Hereditary myopathy with early respiratory failure (Evil_2016, Mademont-Soler_2017, Pham_2023, Boen_2024). These report(s) do not provide unequivocal conclusions about association of the variant with Cardiomyopathy. To our knowledge, no experimental evidence demonstrating an impact on protein function has been reported. The following publications have been ascertained in the context of this evaluation (PMID: 38689299, 26627873, 28771489, 37199186). ClinVar contains an entry for this variant (Variation ID: 165664). Based on the evidence outlined above, the variant was classified as uncertain significance.

Mayo Clinic Laboratories, Mayo Clinic
Classification: Uncertain significance. Last evaluated: 2025-08-08. Review status: criteria provided, single submitter. Criteria: ACMG Guidelines, 2015. Collection method: clinical testing. Allele origin: germline. Observed: 3 variant alleles.
Comment: BS1, PP3_moderate

Molecular Diagnostic Laboratory for Inherited Cardiovascular Disease, Montreal Heart Institute
Classification: Likely benign. Last evaluated: 2025-04-09. Review status: criteria provided, single submitter. Criteria: ACMG Guidelines, 2015. Collection method: clinical testing. Allele origin: germline. Affected: no.

Revvity Omics, Revvity
Classification: Uncertain significance. Last evaluated: 2024-12-20. Review status: criteria provided, single submitter. Criteria: ACMG Guidelines, 2015. Collection method: clinical testing. Allele origin: germline.

Blueprint Genetics
Classification: Likely benign. Last evaluated: 2024-11-19. Review status: criteria provided, single submitter. Criteria: ACMG Guidelines, 2015. Collection method: clinical testing. Allele origin: germline.

PreventionGenetics, part of Exact Sciences
Classification: Likely benign for TTN-related condition. Last evaluated: 2024-10-29. Review status: criteria provided, single submitter. Criteria: ACMG Guidelines, 2015. Collection method: clinical testing. Allele origin: germline.
Comment: This variant is classified as likely benign based on ACMG/AMP sequence variant interpretation guidelines (Richards et al. 2015 PMID: 25741868, with internal and published modifications).

Department of Pathology and Laboratory Medicine, Sinai Health System
Classification: Uncertain significance for Tibial muscular dystrophy; Myopathy, myofibrillar, 9, with early respiratory failure; Dilated cardiomyopathy 1G; Autosomal recessive limb-girdle muscular dystrophy type 2J; Early-onset myopathy with fatal cardiomyopathy; Hypertrophic cardiomyopathy 9. Last evaluated: 2021-07-30. Review status: criteria provided, single submitter. Criteria: ACMG Guidelines, 2015. Collection method: research. Allele origin: germline.

GeneDx
Classification: Likely benign. Last evaluated: 2021-06-23. Review status: criteria provided, single submitter. Criteria: GeneDx Variant Classification Process June 2021. Collection method: clinical testing. Allele origin: germline. Affected: yes.
Comment: This variant is associated with the following publications: (PMID: 26627873, 26438511, 28771489)

Ambry Genetics
Classification: Likely benign for Cardiovascular phenotype. Last evaluated: 2020-06-10. Review status: criteria provided, single submitter. Criteria: Ambry Variant Classification Scheme 2023. Collection method: clinical testing. Allele origin: germline.

Baylor Genetics
Classification: Uncertain significance for Tibial muscular dystrophy. Last evaluated: 2019-08-08. Review status: criteria provided, single submitter. Criteria: ACMG Guidelines, 2015. Collection method: clinical testing. Allele origin: unknown. Affected: yes.
Comment: This variant was determined to be of uncertain significance according to ACMG Guidelines, 2015 [PMID:25741868].

Fulgent Genetics
Classification: Uncertain significance for Tibial muscular dystrophy; Myopathy, myofibrillar, 9, with early respiratory failure; Dilated cardiomyopathy 1G; Autosomal recessive limb-girdle muscular dystrophy type 2J; Early-onset myopathy with fatal cardiomyopathy; Hypertrophic cardiomyopathy 9. Last evaluated: 2018-10-31. Review status: criteria provided, single submitter. Criteria: ACMG Guidelines, 2015. Collection method: clinical testing. Allele origin: unknown.

Eurofins Ntd Llc (ga)
Classification: Uncertain significance. Last evaluated: 2018-05-31. Review status: criteria provided, single submitter. Criteria: EGL ClinVar v180209 classification definitions. Collection method: clinical testing. Allele origin: germline. Observed: 9 variant alleles, 8 heterozygotes.

Illumina Laboratory Services, Illumina
Classification: Uncertain significance for Dilated cardiomyopathy 1G. Last evaluated: 2018-01-12. Review status: criteria provided, single submitter. Criteria: ICSL Variant Classification Criteria 13 December 2019. Collection method: clinical testing. Allele origin: germline.

Illumina Laboratory Services, Illumina
Classification: Benign for Myopathy, myofibrillar, 9, with early respiratory failure. Last evaluated: 2018-01-12. Review status: criteria provided, single submitter. Criteria: ICSL Variant Classification Criteria 13 December 2019. Collection method: clinical testing. Allele origin: germline.
Comment: This variant was observed in the ICSL laboratory as part of a predisposition screen in an ostensibly healthy population. It had not been previously curated by ICSL or reported in the Human Gene Mutation Database (HGMD: prior to June 1st, 2018), and was therefore a candidate for classification through an automated scoring system. Utilizing variant allele frequency, disease prevalence and penetrance estimates, and inheritance mode, an automated score was calculated to assess if this variant is too frequent to cause the disease. Based on the score and internal cut-off values, a variant classified as benign is not then subjected to further curation. The score for this variant resulted in a classification of benign for this disease.